The following is an entry in ClinVar:

ClinVar aggregate classification (germline): Pathogenic/Likely pathogenic. Review status: criteria provided, multiple submitters, no conflicts (2 of 4 stars). 3 submissions from 3 submitters: Pathogenic (1); Likely pathogenic (2). Last evaluated 2025-01-01.

Conditions:
Methylcobalamin deficiency type cblG (HMAG). Also called: HOMOCYSTINURIA-MEGALOBLASTIC ANEMIA, cblG COMPLEMENTATION TYPE; HOMOCYSTINURIA-MEGALOBLASTIC ANEMIA, cblG TYPE; Functional methionine synthase deficiency type cblG; HOMOCYSTINURIA-MEGALOBLASTIC ANEMIA DUE TO DEFECT IN COBALAMIN METABOLISM, cblG COMPLEMENTATION TYPE. Identifiers: Orphanet 2170, Orphanet 622, MedGen C1855128, MONDO:0009609, OMIM 250940.
Neural tube defects, folate-sensitive (NTDFS). Also called: NTD, FOLATE-SENSITIVE. Identifiers: Orphanet 823, MedGen C1866558, MONDO:0011120, OMIM 601634.

Allele frequency attached by ClinVar (database versions not stated): ExAC 0.00003; gnomAD 0.00003; gnomAD exomes 0.00004; ESP Exome Variant Server 0.00008; TOPMed 0.00010.

Submissions (3):

Labcorp Genetics (formerly Invitae), Labcorp
Classification: Pathogenic for Methylcobalamin deficiency type cblG. Last evaluated: 2025-01-01. Review status: criteria provided, single submitter. Criteria: Invitae Variant Classification Sherloc (09022015). Collection method: clinical testing. Allele origin: germline.
Comment: This sequence change creates a premature translational stop signal (p.Arg802*) in the MTR gene. It is expected to result in an absent or disrupted protein product. Loss-of-function variants in MTR are known to be pathogenic (PMID: 9683607, 12068375). This variant is present in population databases (rs138695265, gnomAD 0.05%). This variant has not been reported in the literature in individuals affected with MTR-related conditions. ClinVar contains an entry for this variant (Variation ID: 1339164). For these reasons, this variant has been classified as Pathogenic.

Fulgent Genetics
Classification: Likely pathogenic for Methylcobalamin deficiency type cblG; Neural tube defects, folate-sensitive. Last evaluated: 2024-04-25. Review status: criteria provided, single submitter. Criteria: ACMG Guidelines, 2015. Collection method: clinical testing. Allele origin: germline.

Neuberg Centre For Genomic Medicine, NCGM
Classification: Likely pathogenic for Methylcobalamin deficiency type cblG. Review status: criteria provided, single submitter. Criteria: ACMG Guidelines, 2015. Collection method: clinical testing. Allele origin: germline. Affected: yes.
Comment: The stop gained p.R802* in MTR (NM_000254.3) has not been reported previously as a pathogenic variant nor as a benign variant, to our knowledge. The p.R802* variant is observed in 4/10,076 (0.0397%) alleles from individuals of Ashkenazi Jewish background in gnomAD Exomes and is novel (not in any individuals) in 1000 Genomes. This variant is predicted to cause loss of normal protein function through protein truncation. For these reasons, this variant has been classified as Likely Pathogenic.

Literature cited by the submitters: PubMed 9683607 (cited by Labcorp Genetics (formerly Invitae), Labcorp); PubMed 12068375 (cited by Labcorp Genetics (formerly Invitae), Labcorp).

NM_000254.3(MTR):c.2404C>T (p.Arg802Ter)

Gene: MTR (5-methyltetrahydrofolate-homocysteine methyltransferase; plus strand). Cytogenetic location: 1q43.
Variant type: single nucleotide variant.
Coding change: c.2404C>T on transcript NM_000254.3 (MANE Select); coding-DNA position 2404, C replaced by T.
Protein change: p.Arg802Ter; replaces arginine 802 with a stop codon.
Molecular consequence: nonsense.
Genome position (GRCh38, 1-based): chr1:236,863,553, C>T. VCF-style: chr1-236863553-C-T. GRCh37 (hg19) VCF-style: chr1-237026853-C-T.
Other names: c.2251C>T, p.Arg751Ter (NM_001291939.1); c.1183C>T, p.Arg395Ter (NM_001291940.2); short protein forms R395*, R751*, R802*.
Identifiers: ClinVar variation 1339164 (VCV001339164.8), dbSNP rs138695265, ClinGen allele CA1474366.